The following is an entry in ClinVar:

ClinVar aggregate classification (germline): Uncertain significance (1 of 4 stars; one submission).

Submission:

Ambry Genetics
Classification: Uncertain significance. Last evaluated: 2023-05-12. Review status: criteria provided, single submitter. Criteria: Ambry Variant Classification Scheme 2023. Collection method: clinical testing. Allele origin: germline.
Comment: The p.P370L variant (also known as c.1109C>T), located in coding exon 6 of the GALNT12 gene, results from a C to T substitution at nucleotide position 1109. The proline at codon 370 is replaced by leucine, an amino acid with similar properties. This amino acid position is conserved. In addition, this alteration is predicted to be deleterious by in silico analysis. Since supporting evidence is limited at this time, the clinical significance of this alteration remains unclear.

NM_024642.5(GALNT12):c.1109C>T (p.Pro370Leu)

Gene: GALNT12 (polypeptide N-acetylgalactosaminyltransferase 12; plus strand). Cytogenetic location: 9q22.33.
Variant type: single nucleotide variant.
Coding change: c.1109C>T on transcript NM_024642.5 (MANE Select); coding-DNA position 1109, C replaced by T.
Protein change: p.Pro370Leu; replaces proline 370 with leucine.
Molecular consequence: missense variant.
Genome position (GRCh38, 1-based): chr9:98,837,045, C>T. VCF-style: chr9-98837045-C-T. GRCh37 (hg19) VCF-style: chr9-101599327-C-T.
Other names: short protein forms P370L.
Identifiers: ClinVar variation 2566266 (VCV002566266.2), dbSNP rs2490533043, ClinGen allele CA374219813.